The following is an entry in ClinVar:

ClinVar aggregate classification (germline): Pathogenic. Review status: criteria provided, multiple submitters, no conflicts (2 of 4 stars). 2 submissions from 2 submitters: Pathogenic (2). Last evaluated 2026-03-25.

Conditions:
Thyroid hormone resistance, generalized, autosomal dominant (GRTHD). Also called: HYPERTHYROXINEMIA, FAMILIAL EUTHYROID, SECONDARY TO PITUITARY AND PERIPHERAL RESISTANCE TO THYROID HORMONES. Identifiers: MedGen C2937288, MONDO:0008569, OMIM 188570.

Submissions (2):

Women's Health and Genetics/Laboratory Corporation of America, LabCorp
Classification: Pathogenic for Thyroid hormone resistance, generalized, autosomal dominant. Last evaluated: 2026-03-25. Review status: criteria provided, single submitter. Criteria: LabCorp Variant Classification Summary - May 2015. Collection method: clinical testing. Allele origin: germline.
Comment: Variant summary: THRB c.830C>T (p.Thr277Ile) results in a non-conservative amino acid change in the encoded protein sequence. Algorithms developed to predict the effect of missense changes on protein structure and function all suggest that this variant is likely to be disruptive. The variant was absent in 251350 control chromosomes. c.830C>T has been observed in individuals affected with Autosomal Dominant Thyroid Hormone Resistance, including several cases where it was found de novo (e.g. Tajima_2009, Chantler_2012, Dieu_2020, Zhang_2022). These data indicate that the variant is likely associated with disease. To our knowledge, no experimental evidence demonstrating an impact on protein function has been reported. The following publications have been ascertained in the context of this evaluation (PMID: 22605824, 32635414, 34860176, 19542904, 36506769). ClinVar contains an entry for this variant (Variation ID: 1338370). Based on the evidence outlined above, the variant was classified as pathogenic.

Genetic Services Laboratory, University of Chicago
Classification: Pathogenic. Last evaluated: 2018-02-13. Review status: criteria provided, single submitter. Criteria: ACMG Guidelines, 2015. Collection method: clinical testing. Allele origin: germline. Affected: yes.

Literature cited by the submitters: PubMed 32635414 (cited by Women's Health and Genetics/Laboratory Corporation of America, LabCorp); PubMed 22605824 (cited by Women's Health and Genetics/Laboratory Corporation of America, LabCorp); PubMed 34860176 (cited by Women's Health and Genetics/Laboratory Corporation of America, LabCorp); PubMed 19542904 (cited by Women's Health and Genetics/Laboratory Corporation of America, LabCorp); PubMed 36506769 (cited by Women's Health and Genetics/Laboratory Corporation of America, LabCorp).

NM_001354712.2(THRB):c.830C>T (p.Thr277Ile)

Gene: THRB (thyroid hormone receptor beta; minus strand). Cytogenetic location: 3p24.2.
Variant type: single nucleotide variant.
Coding change: c.830C>T on transcript NM_001354712.2 (MANE Select); coding-DNA position 830, C replaced by T.
Protein change: p.Thr277Ile; replaces threonine 277 with isoleucine.
Molecular consequence: missense variant.
Genome position (GRCh38, 1-based): chr3:24,133,371, G>A on the plus strand (C>T on the coding strand, the complement: THRB is on the minus strand). VCF-style: chr3-24133371-G-A. GRCh37 (hg19) VCF-style: chr3-24174862-G-A.
Other names: c.830C>T, p.Thr277Ile (NM_000461.5, NM_001128176.3, NM_001128177.2 and 12 more transcripts); c.737C>T, p.Thr246Ile (NM_001354714.2, NM_001354715.2); short protein forms T246I, T277I.
Identifiers: ClinVar variation 1338370 (VCV001338370.5), dbSNP rs2148894604, ClinGen allele CA351889698.
Genomic context (GRCh38, chr3:24,133,371, plus strand): 5'-CTCACCTCACAAAACATAGGCAACTTTTTGGCAAAATCCACCACTCTGGTAATTGCTGGT[G>A]TGATGATTTTTGTAAAATGGCTGAAGGCTTCCAAGTCAACCTTTCCACCTTCTGGGGCAT-3'
Protein context (NP_001341641.1, residues 267-287): EAFSHFTKII[Thr277Ile]PAITRVVDFA